The following is an entry in ClinVar:

ClinVar aggregate classification (germline): Pathogenic (1 of 4 stars; one submission).

Conditions:
Duchenne muscular dystrophy (DMD). Also called: MUSCULAR DYSTROPHY, PSEUDOHYPERTROPHIC PROGRESSIVE, DUCHENNE TYPE; Duchenne Muscular Dystrophy (DMD). Identifiers: Orphanet 98896, MedGen C0013264, MONDO:0010679, OMIM 310200.

Submission:

Labcorp Genetics (formerly Invitae), Labcorp
Classification: Pathogenic for Duchenne muscular dystrophy. Last evaluated: 2025-08-16. Review status: criteria provided, single submitter. Criteria: Invitae Variant Classification Sherloc (09022015). Collection method: clinical testing. Allele origin: germline.
Comment: This sequence change creates a premature translational stop signal (p.Leu2406*) in the DMD gene. It is expected to result in an absent or disrupted protein product. Loss-of-function variants in DMD are known to be pathogenic (PMID: 16770791, 25007885). This variant is not present in population databases (gnomAD no frequency). This variant has not been reported in the literature in individuals affected with DMD-related conditions. ClinVar contains an entry for this variant (Variation ID: 3632319). For these reasons, this variant has been classified as Pathogenic.

Literature cited by the submitters: PubMed 16770791; PubMed 25007885.

NM_004006.3(DMD):c.7216del (p.Asp2405_Leu2406insTer)

Gene: DMD (dystrophin; minus strand). Cytogenetic location: Xp21.1.
Variant type: Deletion.
Coding change: c.7216del on transcript NM_004006.3 (MANE Select); coding-DNA position 7216, one base deleted (C; older notation c.7216delC).
Protein change: p.Asp2405_Leu2406insTer.
Molecular consequence: nonsense. On other transcripts: 5 prime UTR variant (5).
Genome position (GRCh38, 1-based): chrX:31,820,068, G deleted on the plus strand (C on the coding strand, the reverse complement: DMD is on the minus strand). VCF-style (leftmost placement, unchanged base first): chrX-31820067-AG-A. GRCh37 (hg19) VCF-style: chrX-31838184-AG-A.
Other names: c.7192del, p.Asp2397_Leu2398insTer (NM_000109.4); c.7204del, p.Asp2401_Leu2402insTer (NM_004009.3); c.6847del, p.Asp2282_Leu2283insTer (NM_004010.3); c.3193del, p.Asp1064_Leu1065insTer (NM_004011.4); c.3184del, p.Asp1061_Leu1062insTer (NM_004012.4); c.-165del (NM_004013.3, NM_004020.4, NM_004021.3 and 2 more transcripts).
Identifiers: ClinVar variation 3632319 (VCV003632319.2).